The following is an entry in ClinVar:

NM_000426.4(LAMA2):c.1755C>T (p.Ser585=)

Gene: LAMA2 (laminin subunit alpha 2; plus strand). Cytogenetic location: 6q22.33.
Variant type: single nucleotide variant.
Coding change: c.1755C>T on transcript NM_000426.4 (MANE Select); coding-DNA position 1755, C replaced by T.
Protein change: p.Ser585=; no amino-acid change (serine 585 retained).
Molecular consequence: synonymous variant.
Genome position (GRCh38, 1-based): chr6:129,192,826, C>T. VCF-style: chr6-129192826-C-T. GRCh37 (hg19) VCF-style: chr6-129513971-C-T.
Other names: c.1755C>T, p.Ser585= (NM_001079823.2).
Identifiers: ClinVar variation 698106 (VCV000698106.10), dbSNP rs1012171328, ClinGen allele CA451935111.
Genomic context (GRCh38, chr6:129,192,826, plus strand): 5'-GCAGATCAGCATCAGTAACGCGGAGGCCCGGCAAGCCCTGCCGCACAGCTACTACTGGAG[C>T]GCGCCGGCTCCCTATCTGGGAAACAAAGTAAGTCCACGCTTGCTTCCCGCTATTCTGCTT-3'
Protein context (NP_000417.3, residues 575-595): RQALPHSYYW[Ser585=]APAPYLGNKL

ClinVar aggregate classification (germline): Conflicting classifications of pathogenicity. Review status: criteria provided, conflicting classifications (1 of 4 stars). 2 submissions from 2 submitters: Uncertain significance (1); Likely benign (1). Last evaluated 2022-10-30.

Conditions:
Merosin deficient congenital muscular dystrophy (MDC1A). Also called: Congenital merosin-deficient muscular dystrophy 1A; Congenital Muscular Dystrophy Type 1A (MDC1A). Identifiers: Orphanet 258, MedGen C1263858, MONDO:0011925, OMIM 607855.
LAMA2-related muscular dystrophy (LAMA2-RD). Also called: Laminin alpha 2-related dystrophy. Identifiers: MedGen C5679788, MONDO:0100228.

gnomAD v4.1: 1 of 1,614,068 alleles (0.000062%); highest among the groups gnomAD compares: South Asian, 0.0011%; no homozygotes.

Submissions (2):

Labcorp Genetics (formerly Invitae), Labcorp
Classification: Likely benign for LAMA2-related muscular dystrophy. Last evaluated: 2022-10-30. Review status: criteria provided, single submitter. Criteria: Invitae Variant Classification Sherloc (09022015). Collection method: clinical testing. Allele origin: germline.

Baylor Genetics
Classification: Uncertain significance for Merosin deficient congenital muscular dystrophy. Last evaluated: 2018-12-13. Review status: criteria provided, single submitter. Criteria: ACMG Guidelines, 2015. Collection method: clinical testing. Allele origin: maternal. Affected: yes.
Comment: This variant was determined to be of uncertain significance according to ACMG Guidelines, 2015 [PMID:25741868].